The following is an entry in ClinVar:

ClinVar aggregate classification (germline): Benign (1 of 4 stars; one submission).

Submission:

Laboratory for Molecular Medicine, Mass General Brigham Personalized Medicine
Classification: Benign. Last evaluated: 2016-03-29. Review status: criteria provided, single submitter. Criteria: LMM Criteria. Collection method: clinical testing. Allele origin: germline.
Comment: Variant identified in a genome or exome case(s) and assessed due to predicted null impact of the variant or pathogenic assertions in the literature or databases. Disclaimer: This variant has not undergone full assessment. The following are preliminary notes: Frequency, outside ROI

NM_205860.3(NR5A2):c.1230+29_1230+30dup

Gene: NR5A2 (nuclear receptor subfamily 5 group A member 2; plus strand). Cytogenetic location: 1q32.1.
Variant type: Duplication.
Coding change: c.1230+29_1230+30dup on transcript NM_205860.3 (MANE Select); bases 29 to 30 of the intron after coding-DNA position 1230, 2 bases duplicated (AA; older notation c.1230+29_1230+30dupAA).
Molecular consequence: intron variant.
Genome position (GRCh38, 1-based): chr1:200,111,350-200,111,351, AA duplicated; duplicating any 2 consecutive bases within chr1:200,111,337-200,111,351 gives the same sequence; the c. name uses the placement nearest the transcript's 3' end. VCF-style (leftmost placement, unchanged base first): chr1-200111336-C-CAA. GRCh37 (hg19) VCF-style: chr1-200080464-C-CAA.
Other names: c.1092+29_1092+30dup (NM_003822.5); c.1014+29_1014+30dup (NM_001276464.2).
Identifiers: ClinVar variation 403261 (VCV000403261.4), dbSNP rs76894039, ClinGen allele CA1316073.
Genomic context (GRCh38, chr1:200,111,336, plus strand): 5'-GGTACATGGAAAGGAAGGATCCATCTTCCTGGTTACTGGGCAACAAGTGAGTGTAGAGAC[C>CAA]AAAAAAAAAAAAAAAGCATCTTTTTATTAAGCATGTTCAGAATGGCCGGAATTTAACTAG-3'